The following is an entry in ClinVar:

NM_212482.4(FN1):c.4973C>T (p.Ser1658Phe)

Gene: FN1 (fibronectin 1; minus strand). Cytogenetic location: 2q35.
Variant type: single nucleotide variant.
Coding change: c.4973C>T on transcript NM_212482.4 (MANE Select); coding-DNA position 4973, C replaced by T.
Protein change: p.Ser1658Phe; replaces serine 1658 with phenylalanine.
Molecular consequence: missense variant.
Genome position (GRCh38, 1-based): chr2:215,383,405, G>A on the plus strand (C>T on the coding strand, the complement: FN1 is on the minus strand). VCF-style: chr2-215383405-G-A. GRCh37 (hg19) VCF-style: chr2-216248128-G-A.
Other names: c.4973C>T, p.Ser1658Phe (NM_001306129.2, NM_001306130.2, NM_001365517.2 and 3 more transcripts); c.4700C>T, p.Ser1567Phe (NM_001306131.2, NM_001306132.2, NM_001365518.2 and 7 more transcripts); short protein forms S1658F, S1567F.
Identifiers: ClinVar variation 3585455 (VCV003585455.3).

ClinVar aggregate classification (germline): Uncertain significance. Review status: criteria provided, multiple submitters, no conflicts (2 of 4 stars). 2 submissions from 2 submitters: Uncertain significance (2). Last evaluated 2026-01-20.

Conditions:
Glomerulopathy with fibronectin deposits 2 (GFND2). Identifiers: Orphanet 84090, MedGen C1866075, MONDO:0011165, OMIM 601894.
Spondylometaphyseal dysplasia - Sutcliffe type. Also called: Spondylometaphyseal Dysplasia, Corner Fracture Type; Sutcliffe type of spondylometaphyseal dysplasia; Sutcliffe SMD; Spondylometaphyseal dysplasia, 'corner fracture' type. Identifiers: Orphanet 93315, MedGen C0432221, MONDO:0008479, OMIM 184255.

gnomAD v4.1: 16 of 1,613,844 alleles (0.00099%); highest among the groups gnomAD compares: Non-Finnish European, 0.0013%; no homozygotes.

Submissions (2):

Dasa
Classification: Uncertain significance for spondylometaphyseal dysplasia, 'corner fracture' type. Last evaluated: 2026-01-20. Review status: criteria provided, single submitter. Criteria: DASA Assertion Criteria. Collection method: clinical testing. Allele origin: germline.
Comment: NM_212482.4(FN1):c.4973C>T (p.Ser1658Phe) is a missense variant that results in the substitution of serine with phenylalanine. This variant is rare in population databases. The currently available literature and clinical evidence are not sufficient to establish a definitive association between this variant and the reported condition. Therefore, this variant is classified as a variant of uncertain significance.

Fulgent Genetics
Classification: Uncertain significance for Spondylometaphyseal dysplasia - Sutcliffe type; Glomerulopathy with fibronectin deposits 2. Last evaluated: 2024-01-08. Review status: criteria provided, single submitter. Criteria: ACMG Guidelines, 2015. Collection method: clinical testing. Allele origin: germline.